The following is an entry in ClinVar:

ClinVar aggregate classification (germline): Benign. Review status: criteria provided, multiple submitters, no conflicts (2 of 4 stars). 4 submissions from 4 submitters: Benign (3). 1 of the submissions does not count toward it. Last evaluated 2026-09-01.

Conditions:
CDC42BPB-related disorder.

Allele frequency attached by ClinVar (database versions not stated): 1000 Genomes Project 0.00300; 1000 Genomes Project 30x 0.00312; ExAC 0.00517; gnomAD exomes 0.00608 and 0.00742; gnomAD 0.00651 and 0.00704; ESP Exome Variant Server 0.00692; TOPMed 0.00777.
gnomAD v4.1: 11,831 of 1,614,154 alleles (0.73%); highest among the groups gnomAD compares: Admixed American, 1.1%; 61 homozygotes.

Submissions (4):

CeGaT Center for Human Genetics Tuebingen
Classification: Benign. Last evaluated: 2026-09-01. Review status: criteria provided, single submitter. Criteria: CeGaT Center For Human Genetics Tuebingen Variant Classification Criteria Version 2. Collection method: clinical testing. Allele origin: germline. Affected: yes. Observed: 26 variant alleles.
Comment: CDC42BPB: BP4, BP7, BS1, BS2

Labcorp Genetics (formerly Invitae), Labcorp
Classification: Benign. Last evaluated: 2018-11-16. Review status: criteria provided, single submitter. Criteria: Invitae Variant Classification Sherloc (09022015). Collection method: clinical testing. Allele origin: germline.

Breakthrough Genomics
Classification: Benign. Review status: criteria provided, single submitter. Criteria: ACMG Guidelines, 2015. Collection method: not provided. Allele origin: germline. Inheritance: Autosomal dominant inheritance. Affected: yes.

PreventionGenetics, part of Exact Sciences
Classification: Benign for CDC42BPB-related condition. Last evaluated: 2021-08-20. Review status: no assertion criteria provided. Collection method: clinical testing. Allele origin: germline. Not counted in ClinVar's aggregate classification.
Comment: This variant is classified as benign based on ACMG/AMP sequence variant interpretation guidelines (Richards et al. 2015 PMID: 25741868, with internal and published modifications).

NM_006035.4(CDC42BPB):c.993T>C (p.Asn331=)

Gene: CDC42BPB (CDC42 binding protein kinase beta; minus strand). Cytogenetic location: 14q32.32.
Variant type: single nucleotide variant.
Coding change: c.993T>C on transcript NM_006035.4 (MANE Select); coding-DNA position 993, T replaced by C.
Protein change: p.Asn331=; no amino-acid change (asparagine 331 retained).
Molecular consequence: synonymous variant.
Genome position (GRCh38, 1-based): chr14:102,980,920, A>G on the plus strand (T>C on the coding strand, the complement: CDC42BPB is on the minus strand). VCF-style: chr14-102980920-A-G. GRCh37 (hg19) VCF-style: chr14-103447257-A-G.
Identifiers: ClinVar variation 789066 (VCV000789066.19), dbSNP rs34750098, ClinGen allele CA7361514.